The following is an entry in ClinVar:

ClinVar aggregate classification (germline): Pathogenic. Review status: criteria provided, single submitter (1 of 4 stars). 3 submissions from 3 submitters: Pathogenic (1). 2 of the submissions do not count toward it. Last evaluated 2022-03-30.

Conditions:
Charcot-Marie-Tooth disease axonal type 2K (CMT2K). Also called: Charcot-Marie-Tooth disease type 2K; CHARCOT-MARIE-TOOTH DISEASE, AXONAL, AUTOSOMAL RECESSIVE, TYPE 2K; CHARCOT-MARIE-TOOTH NEUROPATHY, AXONAL, TYPE 2K. Identifiers: Orphanet 101097, Orphanet 99944, MedGen C1842983, MONDO:0011916, OMIM 607831.
Charcot-Marie-Tooth disease. Also called: Charcot-Marie-Tooth Hereditary Neuropathy; Charcot-Marie-Tooth Neuropathy. Identifiers: Orphanet 166, MedGen C0007959, MONDO:0015626.
Charcot-Marie-Tooth disease, axonal, with vocal cord paresis, autosomal recessive. Also called: CHARCOT-MARIE-TOOTH DISEASE, TYPE 4A, AXONAL FORM; CHARCOT-MARIE-TOOTH NEUROPATHY, AXONAL, WITH VOCAL CORD PARESIS, AUTOSOMAL RECESSIVE; CMT2 WITH VOCAL CORD PARESIS, AUTOSOMAL RECESSIVE. Identifiers: Orphanet 101097, MedGen C1843183, MONDO:0011898, OMIM 607706.

Submissions (3):

MGZ Medical Genetics Center
Classification: Pathogenic for Charcot-Marie-Tooth disease, axonal, with vocal cord paresis, autosomal recessive. Last evaluated: 2022-03-30. Review status: criteria provided, single submitter. Criteria: ACMG Guidelines, 2015. Collection method: clinical testing. Allele origin: germline. Affected: yes. Observed: 1 variant allele.
Comment: ACMG criteria applied: PVS1, PS4_MOD, PM3, PM2_SUP, PP1

Inherited Neuropathy Consortium Ii, University Of Miami
Classification: Uncertain significance for Charcot-Marie-Tooth disease axonal type 2K. Last evaluated: 2016-01-06. Review status: no assertion criteria provided. Collection method: literature only. Allele origin: germline. Affected: yes. Not counted in ClinVar's aggregate classification.

Inherited Neuropathy Consortium
Classification: Uncertain significance for Charcot-Marie-Tooth disease. Review status: no assertion criteria provided. Collection method: literature only. Allele origin: germline. Affected: yes. Not counted in ClinVar's aggregate classification.

Literature cited by the submitters: PubMed 15019704 (cited by Inherited Neuropathy Consortium Ii, University Of Miami and Inherited Neuropathy Consortium).

NM_018972.4(GDAP1):c.558del (p.Ile186fs)

Gene: GDAP1 (ganglioside induced differentiation associated protein 1; plus strand). Cytogenetic location: 8q21.11.
Variant type: Deletion.
Coding change: c.558del on transcript NM_018972.4 (MANE Select); coding-DNA position 558, one base deleted (T; older notation c.558delT).
Protein change: p.Ile186fs; shifts the reading frame from isoleucine 186.
Molecular consequence: frameshift variant.
Genome position (GRCh38, 1-based): chr8:74,361,957, T deleted; the last of 2 consecutive T bases (chr8:74,361,956-74,361,957); deleting either gives the same sequence. VCF-style (leftmost placement, unchanged base first): chr8-74361955-AT-A. GRCh37 (hg19) VCF-style: chr8-75274190-AT-A.
Other names: c.354del, p.Ile118fs (NM_001040875.4); c.231del, p.Ile77fs (NM_001362929.2, NM_001362932.2); c.384del, p.Ile128fs (NM_001362930.2); c.558del, p.Ile186fs (NM_001362931.2); short protein forms I128fs, I186fs, I77fs, I118fs.
Identifiers: ClinVar variation 637126 (VCV000637126.4), dbSNP rs770658701, ClinGen allele CA4785133.